The following is an entry in ClinVar:

ClinVar aggregate classification (germline): Uncertain significance. Review status: criteria provided, multiple submitters, no conflicts (2 of 4 stars). 2 submissions from 2 submitters: Uncertain significance (2). Last evaluated 2026-09-01.

Conditions:
Kabuki syndrome. Also called: Kabuki make-up syndrome; NIIKAWA-KUROKI SYNDROME. Identifiers: Orphanet 2322, MedGen C0796004, MONDO:0016512.

Submissions (2):

CeGaT Center for Human Genetics Tuebingen
Classification: Uncertain significance. Last evaluated: 2026-09-01. Review status: criteria provided, single submitter. Criteria: CeGaT Center For Human Genetics Tuebingen Variant Classification Criteria Version 2. Collection method: clinical testing. Allele origin: germline. Affected: yes. Observed: 1 variant allele.
Comment: KMT2D: PM2, PM4:Supporting

Labcorp Genetics (formerly Invitae), Labcorp
Classification: Uncertain significance for Kabuki syndrome. Last evaluated: 2024-11-11. Review status: criteria provided, single submitter. Criteria: Invitae Variant Classification Sherloc (09022015). Collection method: clinical testing. Allele origin: germline.
Comment: This variant, c.13137_13139dup, results in the insertion of 1 amino acid(s) of the KMT2D protein (p.Pro4380dup), but otherwise preserves the integrity of the reading frame. This variant is present in population databases (rs756684775, gnomAD no frequency). This variant has not been reported in the literature in individuals affected with KMT2D-related conditions. ClinVar contains an entry for this variant (Variation ID: 1470244). In summary, the available evidence is currently insufficient to determine the role of this variant in disease. Therefore, it has been classified as a Variant of Uncertain Significance.

NM_003482.4(KMT2D):c.13137_13139dup (p.Pro4380dup)

Gene: KMT2D (lysine methyltransferase 2D; minus strand). Cytogenetic location: 12q13.12.
Variant type: Duplication.
Coding change: c.13137_13139dup on transcript NM_003482.4 (MANE Select); coding-DNA positions 13137 to 13139, 3 bases duplicated (CCC; older notation c.13137_13139dupCCC).
Protein change: p.Pro4380dup; duplicates proline 4380.
Molecular consequence: inframe insertion.
Genome position (GRCh38, 1-based): chr12:49,031,566-49,031,568, GGG duplicated on the plus strand (CCC on the coding strand, the reverse complement: KMT2D is on the minus strand); duplicating any 3 consecutive bases within chr12:49,031,566-49,031,570 gives the same sequence; the c. name uses the placement nearest the transcript's 3' end. VCF-style (leftmost placement, unchanged base first): chr12-49031565-T-TGGG. GRCh37 (hg19) VCF-style: chr12-49425348-T-TGGG.
Identifiers: ClinVar variation 1470244 (VCV001470244.9), dbSNP rs756684775, ClinGen allele CA6546065.